The following is an entry in ClinVar:

NM_000053.4(ATP7B):c.4295C>T (p.Ser1432Phe)

Gene: ATP7B (ATPase copper transporting beta; minus strand). Cytogenetic location: 13q14.3.
Variant type: single nucleotide variant.
Coding change: c.4295C>T on transcript NM_000053.4 (MANE Select); coding-DNA position 4295, C replaced by T.
Protein change: p.Ser1432Phe; replaces serine 1432 with phenylalanine.
Molecular consequence: missense variant.
Genome position (GRCh38, 1-based): chr13:51,934,859, G>A on the plus strand (C>T on the coding strand, the complement: ATP7B is on the minus strand). VCF-style: chr13-51934859-G-A. GRCh37 (hg19) VCF-style: chr13-52508995-G-A.
Other names: c.3674C>T, p.Ser1225Phe (NM_001005918.3); c.3962C>T, p.Ser1321Phe (NM_001243182.2); c.4061C>T, p.Ser1354Phe (NM_001330578.2); c.4043C>T, p.Ser1348Phe (NM_001330579.2); short protein forms S1225F, S1321F, S1348F, S1354F, S1432F.
Identifiers: ClinVar variation 991410 (VCV000991410.5), dbSNP rs375692175, ClinGen allele CA6988433.

ClinVar aggregate classification (germline): Uncertain significance. Review status: criteria provided, multiple submitters, no conflicts (2 of 4 stars). 4 submissions from 4 submitters: Uncertain significance (3). 1 of the submissions does not count toward it. Last evaluated 2025-06-12.

Conditions:
Wilson disease (WND). Also called: Wilson's disease. Identifiers: Orphanet 905, MedGen C0019202, MONDO:0010200, OMIM 277900. Disease mechanism: loss of function.

Allele frequency attached by ClinVar (database versions not stated): gnomAD 0.00001; gnomAD exomes 0.00001 and 0.00002; TOPMed 0.00001; ExAC 0.00003; ESP Exome Variant Server 0.00008.
gnomAD v4.1: 35 of 1,614,090 alleles (0.0022%); highest among the groups gnomAD compares: Middle Eastern, 0.033%; no homozygotes.

Submissions (4):

Color Diagnostics, LLC DBA Color Health
Classification: Uncertain significance for Wilson disease. Last evaluated: 2025-06-12. Review status: criteria provided, single submitter. Criteria: ACMG Guidelines, 2015. Collection method: clinical testing. Allele origin: germline.
Comment: This missense variant replaces serine with phenylalanine at codon 1432 of the ATP7B protein. Computational prediction is inconclusive regarding the impact of this variant on protein structure and function. To our knowledge, functional studies have not been reported for this variant. This variant has been reported in an individual affected with Wilson disease (PMID: 26799313). This variant has been identified in 3/249508 chromosomes in the general population by the Genome Aggregation Database (gnomAD). The available evidence is insufficient to determine the role of this variant in disease conclusively. Therefore, this variant is classified as a Variant of Uncertain Significance.

All of Us Research Program, National Institutes of Health
Classification: Uncertain significance for Wilson disease. Last evaluated: 2024-07-29. Review status: criteria provided, single submitter. Criteria: ACMG Guidelines, 2015. Collection method: clinical testing. Allele origin: germline. Inheritance: Autosomal recessive inheritance. Observed: 9 variant alleles, 9 heterozygotes.
Comment: This missense variant replaces serine with phenylalanine at codon 1432 of the ATP7B protein. Computational prediction is inconclusive regarding the impact of this variant on protein structure and function (internally defined REVEL score threshold 0.5 < inconclusive < 0.7, PMID: 27666373). To our knowledge, functional studies have not been reported for this variant. This variant has been reported in an individual affected with Wilson disease (PMID: 26799313). This variant has been identified in 3/249508 chromosomes in the general population by the Genome Aggregation Database (gnomAD). The available evidence is insufficient to determine the role of this variant in disease conclusively. Therefore, this variant is classified as a Variant of Uncertain Significance.

This study involves interpretation of variants in research participants for the purpose of population health screening. Participant phenotype was not available at the time of variant classification. Additional details can be found in publication PMID: 35346344, PMCID: PMC8962531

Genomic Medicine Center of Excellence, King Faisal Specialist Hospital and Research Centre
Classification: Uncertain significance for Wilson disease. Last evaluated: 2024-03-26. Review status: criteria provided, single submitter. Criteria: ACMG Guidelines, 2015. Collection method: clinical testing. Allele origin: germline.

Natera, Inc.
Classification: Uncertain significance for Wilson disease. Last evaluated: 2020-04-28. Review status: no assertion criteria provided. Collection method: clinical testing. Allele origin: germline. Not counted in ClinVar's aggregate classification.

Literature cited by the submitters: PubMed 26799313 (cited by Color Diagnostics, LLC DBA Color Health and All of Us Research Program, National Institutes of Health).